The following is an entry in ClinVar:

ClinVar aggregate classification (germline): Pathogenic (1 of 4 stars; one submission).

Conditions:
Ehlers-Danlos syndrome due to tenascin-X deficiency (EDSCLL1). Also called: EDS DUE TO TNX DEFICIENCY; TNX DEFICIENCY; Ehlers-Danlos syndrome, classic-like, 1; EHLERS-DANLOS SYNDROME, CLASSIC-LIKE; TNXB-Related Classical-Like Ehlers-Danlos Syndrome. Identifiers: Orphanet 230839, MedGen C1848029, MONDO:0011670, OMIM 606408.

Submission:

Myriad Genetics, Inc.
Classification: Pathogenic for Ehlers-Danlos syndrome due to tenascin-X deficiency. Last evaluated: 2026-02-21. Review status: criteria provided, single submitter. Criteria: Myriad Autosomal Dominant, Autosomal Recessive and X-Linked Classification Criteria (2023). Collection method: clinical testing. Allele origin: unknown.
Comment: NM_019105.6(TNXB):c.9020delG(G3007Afs*29) is expected to be pathogenic in the context of classical-like Ehlers-Danlos syndrome, TNXB-related. This variant is predicted to lead to an abnormal or absent protein product due to the creation of a premature termination codon in TNXB, a gene where loss-of-function variants are known to be pathogenic. Please note: this variant was assessed in the context of healthy population screening.

NM_001365276.2(TNXB):c.9026del (p.Gly3009fs)

Gene: TNXB (tenascin XB; minus strand). Cytogenetic location: 6p21.33.
Variant type: Deletion.
Coding change: c.9026del on transcript NM_001365276.2 (MANE Select); coding-DNA position 9026, one base deleted (G; older notation c.9026delG).
Protein change: p.Gly3009fs; shifts the reading frame from glycine 3009.
Molecular consequence: frameshift variant.
Genome position (GRCh38, 1-based): chr6:32,052,759, C deleted on the plus strand (G on the coding strand, the reverse complement: TNXB is on the minus strand); the first of 6 consecutive C bases (chr6:32,052,759-32,052,764); deleting any one gives the same sequence. VCF-style (leftmost placement, unchanged base first): chr6-32052758-GC-G. GRCh37 (hg19) VCF-style: chr6-32020535-GC-G.
Other names: c.9767del, p.Gly3256fs (NM_001428335.1); c.9020del, p.Gly3007fs (NM_019105.8); short protein forms G3007fs, G3009fs, G3256fs.
Identifiers: ClinVar variation 5015583 (VCV005015583.1).